The following is an entry in ClinVar:

ClinVar aggregate classification (germline): Likely benign (1 of 4 stars; one submission).

Submission:

CeGaT Center for Human Genetics Tuebingen
Classification: Likely benign. Last evaluated: 2026-08-01. Review status: criteria provided, single submitter. Criteria: CeGaT Center For Human Genetics Tuebingen Variant Classification Criteria Version 2. Collection method: clinical testing. Allele origin: germline. Affected: yes. Observed: 1 variant allele.
Comment: GRIN2A: PM2:Supporting, BP4, BP7

NM_001134407.3(GRIN2A):c.2430C>T (p.Ser810=)

Gene: GRIN2A (glutamate ionotropic receptor NMDA type subunit 2A; minus strand). Cytogenetic location: 16p13.2.
Variant type: single nucleotide variant.
Coding change: c.2430C>T on transcript NM_001134407.3 (MANE Select); coding-DNA position 2430, C replaced by T.
Protein change: p.Ser810=; no amino-acid change (serine 810 retained).
Molecular consequence: synonymous variant.
Genome position (GRCh38, 1-based): chr16:9,769,016, G>A on the plus strand (C>T on the coding strand, the complement: GRIN2A is on the minus strand). VCF-style: chr16-9769016-G-A. GRCh37 (hg19) VCF-style: chr16-9862873-G-A.
Other names: c.2430C>T, p.Ser810= (NM_000833.5, NM_001134408.2).
Identifiers: ClinVar variation 5039611 (VCV005039611.1).